The following is an entry in ClinVar:

ClinVar aggregate classification (germline): Likely benign (0 of 4 stars; one submission).

Conditions:
BMPR1A-related disorder. Also called: BMPR1A-related condition.

Submission:

PreventionGenetics, part of Exact Sciences
Classification: Likely benign for BMPR1A-related condition. Last evaluated: 2024-07-09. Review status: no assertion criteria provided. Collection method: clinical testing. Allele origin: germline.
Comment: This variant is classified as likely benign based on ACMG/AMP sequence variant interpretation guidelines (Richards et al. 2015 PMID: 25741868, with internal and published modifications).

NM_004329.3(BMPR1A):c.231-4T>G

Gene: BMPR1A (bone morphogenetic protein receptor type 1A; plus strand). Cytogenetic location: 10q23.2.
Variant type: single nucleotide variant.
Coding change: c.231-4T>G on transcript NM_004329.3 (MANE Select); 4 bases into the intron before coding-DNA position 231, T replaced by G.
Molecular consequence: intron variant.
Genome position (GRCh38, 1-based): chr10:86,892,123, T>G. VCF-style: chr10-86892123-T-G. GRCh37 (hg19) VCF-style: chr10-88651880-T-G.
Other names: c.231-4T>G (NM_001406562.1, NM_001406568.1, NM_001406567.1 and 23 more transcripts); c.147-4T>G (NM_001406584.1, NM_001406588.1, NM_001406587.1 and 2 more transcripts).
Identifiers: ClinVar variation 3346238 (VCV003346238.1).